The following is an entry in ClinVar:

ClinVar aggregate classification (germline): Uncertain significance (1 of 4 stars; one submission).

Conditions:
Vici syndrome (VICIS). Identifiers: Orphanet 1493, MedGen C1855772, MONDO:0009452, OMIM 242840.

Allele frequency attached by ClinVar (database versions not stated): ExAC 0.00001; gnomAD exomes 0.00001 and 0.00002; gnomAD 0.00002; TOPMed 0.00002.
gnomAD v4.1: 36 of 1,614,092 alleles (0.0022%); highest among the groups gnomAD compares: Non-Finnish European, 0.0031%; no homozygotes.

Submission:

Labcorp Genetics (formerly Invitae), Labcorp
Classification: Uncertain significance for Vici syndrome. Last evaluated: 2022-06-27. Review status: criteria provided, single submitter. Criteria: Invitae Variant Classification Sherloc (09022015). Collection method: clinical testing. Allele origin: germline.
Comment: This sequence change replaces phenylalanine, which is neutral and non-polar, with cysteine, which is neutral and slightly polar, at codon 1811 of the EPG5 protein (p.Phe1811Cys). This variant is present in population databases (rs759019063, gnomAD 0.0009%). This variant has not been reported in the literature in individuals affected with EPG5-related conditions. ClinVar contains an entry for this variant (Variation ID: 952084). Algorithms developed to predict the effect of missense changes on protein structure and function are either unavailable or do not agree on the potential impact of this missense change (SIFT: "Deleterious"; PolyPhen-2: "Probably Damaging"; Align-GVGD: "Class C0"). In summary, the available evidence is currently insufficient to determine the role of this variant in disease. Therefore, it has been classified as a Variant of Uncertain Significance.

NM_020964.3(EPG5):c.5432T>G (p.Phe1811Cys)

Gene: EPG5 (ectopic P-granules 5 autophagy tethering factor; minus strand). Cytogenetic location: 18q12.3.
Variant type: single nucleotide variant.
Coding change: c.5432T>G on transcript NM_020964.3 (MANE Select); coding-DNA position 5432, T replaced by G.
Protein change: p.Phe1811Cys; replaces phenylalanine 1811 with cysteine.
Molecular consequence: missense variant.
Genome position (GRCh38, 1-based): chr18:45,882,360, A>C on the plus strand (T>G on the coding strand, the complement: EPG5 is on the minus strand). VCF-style: chr18-45882360-A-C. GRCh37 (hg19) VCF-style: chr18-43462325-A-C.
Other names: short protein forms F1811C.
Identifiers: ClinVar variation 952084 (VCV000952084.8), dbSNP rs759019063, ClinGen allele CA8948590.